The following is an entry in ClinVar:

NM_005751.5(AKAP9):c.2479G>A (p.Glu827Lys)

Gene: AKAP9 (A-kinase anchoring protein 9; plus strand). Cytogenetic location: 7q21.2.
Variant type: single nucleotide variant.
Coding change: c.2479G>A on transcript NM_005751.5 (MANE Select); coding-DNA position 2479, G replaced by A.
Protein change: p.Glu827Lys; replaces glutamic acid 827 with lysine.
Molecular consequence: missense variant.
Genome position (GRCh38, 1-based): chr7:92,002,396, G>A. VCF-style: chr7-92002396-G-A. GRCh37 (hg19) VCF-style: chr7-91631710-G-A.
Other names: c.2479G>A, p.Glu827Lys (NM_147185.3); short protein forms E827K.
Identifiers: ClinVar variation 3516772 (VCV003516772.3).

ClinVar aggregate classification (germline): Uncertain significance. Review status: criteria provided, multiple submitters, no conflicts (2 of 4 stars). 2 submissions from 2 submitters: Uncertain significance (2). Last evaluated 2025-10-02.

Conditions:
Cardiovascular phenotype. Identifiers: MedGen CN230736.
Long QT syndrome (LQTS). Identifiers: MedGen C0023976, MeSH D008133, MONDO:0002442. Disease mechanism: loss of function. Inheritance: Various modes of inheritance.

Submissions (2):

Ambry Genetics
Classification: Uncertain significance for Cardiovascular phenotype. Last evaluated: 2025-10-02. Review status: criteria provided, single submitter. Criteria: Ambry Variant Classification Scheme 2023. Collection method: clinical testing. Allele origin: germline.

Labcorp Genetics (formerly Invitae), Labcorp
Classification: Uncertain significance for Long QT syndrome. Last evaluated: 2025-03-13. Review status: criteria provided, single submitter. Criteria: Invitae Variant Classification Sherloc (09022015). Collection method: clinical testing. Allele origin: germline.
Comment: This sequence change replaces glutamic acid, which is acidic and polar, with lysine, which is basic and polar, at codon 827 of the AKAP9 protein (p.Glu827Lys). This variant is not present in population databases (gnomAD no frequency). This variant has not been reported in the literature in individuals affected with AKAP9-related conditions. ClinVar contains an entry for this variant (Variation ID: 3516772). An algorithm developed to predict the effect of missense changes on protein structure and function outputs the following: PolyPhen-2: "Benign". The lysine amino acid residue is found in multiple mammalian species, which suggests that this missense change does not adversely affect protein function. In summary, the available evidence is currently insufficient to determine the role of this variant in disease. Therefore, it has been classified as a Variant of Uncertain Significance.